The following is an entry in ClinVar:

NM_052867.4(NALCN):c.2966G>C (p.Arg989Pro)

Gene: NALCN (sodium leak channel, non-selective; minus strand). Cytogenetic location: 13q33.1.
Variant type: single nucleotide variant.
Coding change: c.2966G>C on transcript NM_052867.4 (MANE Select); coding-DNA position 2966, G replaced by C.
Protein change: p.Arg989Pro; replaces arginine 989 with proline.
Molecular consequence: missense variant.
Genome position (GRCh38, 1-based): chr13:101,103,263, C>G on the plus strand (G>C on the coding strand, the complement: NALCN is on the minus strand). VCF-style: chr13-101103263-C-G. GRCh37 (hg19) VCF-style: chr13-101755614-C-G.
Other names: c.3053G>C, p.Arg1018Pro (NM_001350748.2); c.2966G>C, p.Arg989Pro (NM_001350749.2); c.2879G>C, p.Arg960Pro (NM_001350750.2, NM_001350751.2); short protein forms R1018P, R960P, R989P.
Identifiers: ClinVar variation 1305448 (VCV001305448.2), dbSNP rs756904207, ClinGen allele CA388669309.

ClinVar aggregate classification (germline): Uncertain significance (1 of 4 stars; one submission).

Submission:

GeneDx
Classification: Uncertain significance. Last evaluated: 2019-02-26. Review status: criteria provided, single submitter. Criteria: GeneDx Variant Classification Process June 2021. Collection method: clinical testing. Allele origin: germline. Affected: yes.
Comment: Not observed in large population cohorts (Lek et al., 2016); In silico analysis, which includes protein predictors and evolutionary conservation, supports a deleterious effect